The following is an entry in ClinVar:

ClinVar aggregate classification (germline): Uncertain significance (1 of 4 stars; one submission).

Conditions:
Hereditary cancer-predisposing syndrome. Also called: Neoplastic Syndromes, Hereditary; Tumor predisposition; Hereditary neoplastic syndrome; Hereditary Cancer Syndrome. Identifiers: Orphanet 140162, MedGen C0027672, MeSH D009386, MONDO:0015356.

Submission:

Ambry Genetics
Classification: Uncertain significance for Hereditary cancer-predisposing syndrome. Last evaluated: 2024-06-11. Review status: criteria provided, single submitter. Criteria: Ambry Variant Classification Scheme 2023. Collection method: clinical testing. Allele origin: germline.
Comment: The p.S203A variant (also known as c.607T>G), located in coding exon 3 of the XRCC2 gene, results from a T to G substitution at nucleotide position 607. The serine at codon 203 is replaced by alanine, an amino acid with similar properties. This amino acid position is not well conserved in available vertebrate species. In addition, this alteration is predicted to be tolerated by in silico analysis. Since supporting evidence is limited at this time, the clinical significance of this alteration remains unclear.

NM_005431.2(XRCC2):c.607T>G (p.Ser203Ala)

Gene: XRCC2 (X-ray repair cross complementing 2; minus strand). Cytogenetic location: 7q36.1.
Variant type: single nucleotide variant.
Coding change: c.607T>G on transcript NM_005431.2 (MANE Select); coding-DNA position 607, T replaced by G.
Protein change: p.Ser203Ala; replaces serine 203 with alanine.
Molecular consequence: missense variant.
Genome position (GRCh38, 1-based): chr7:152,648,878, A>C on the plus strand (T>G on the coding strand, the complement: XRCC2 is on the minus strand). VCF-style: chr7-152648878-A-C. GRCh37 (hg19) VCF-style: chr7-152345963-A-C.
Other names: short protein forms S203A.
Identifiers: ClinVar variation 826174 (VCV000826174.5), dbSNP rs1590129370, ClinGen allele CA370198328.